The following is an entry in ClinVar:

ClinVar aggregate classification (germline): Conflicting classifications of pathogenicity. Review status: criteria provided, conflicting classifications (1 of 4 stars). 2 submissions from 2 submitters: Uncertain significance (1); Likely benign (1). Last evaluated 2024-05-15.

Conditions:
Oto-palato-digital syndrome, type II (OPD2). Also called: Otopalatodigital Syndrome, Type II; FACIOPALATOOSSEOUS SYNDROME; OPD II SYNDROME; Otopalatodigital Syndrome Type 2 (FLNA-OPD2). Identifiers: Orphanet 669, Orphanet 90652, MedGen C1844696, MONDO:0010571, OMIM 304120.
Frontometaphyseal dysplasia (FMD1). Identifiers: Orphanet 1826, MedGen C0265293, MONDO:0015942.
Heterotopia, periventricular, X-linked dominant (PVNH1). Also called: PERIVENTRICULAR NODULAR HETEROTOPIA 1; X-linked periventricular heterotopia; PERIVENTRICULAR NODULAR HETEROTOPIA 4; HETEROTOPIA, PERIVENTRICULAR, 1. Identifiers: Orphanet 2149, Orphanet 82004, MedGen C1848213, MONDO:0010233, OMIM 300049.
Melnick-Needles syndrome (MNS). Also called: MELNICK-NEEDLES OSTEODYSPLASTY; OSTEODYSPLASTY OF MELNICK AND NEEDLES; Melnick-Needles Syndrome (FLNA-MNS). Identifiers: Orphanet 2484, MedGen C0025237, MONDO:0010650, OMIM 309350.

Allele frequency attached by ClinVar (database versions not stated): gnomAD 0.00001; TOPMed 0.00001.
gnomAD v4.1: 1 of 1,210,144 alleles (0.000083%); highest among the groups gnomAD compares: Non-Finnish European, 0.00011%; no homozygotes.

Submissions (2):

Labcorp Genetics (formerly Invitae), Labcorp
Classification: Uncertain significance for Oto-palato-digital syndrome, type II; Heterotopia, periventricular, X-linked dominant; Frontometaphyseal dysplasia; Melnick-Needles syndrome. Last evaluated: 2024-05-15. Review status: criteria provided, single submitter. Criteria: Invitae Variant Classification Sherloc (09022015). Collection method: clinical testing. Allele origin: germline.
Comment: This sequence change replaces histidine, which is basic and polar, with asparagine, which is neutral and polar, at codon 1443 of the FLNA protein (p.His1443Asn). This variant is not present in population databases (gnomAD no frequency). This variant has not been reported in the literature in individuals affected with FLNA-related conditions. ClinVar contains an entry for this variant (Variation ID: 213448). Advanced modeling of protein sequence and biophysical properties (such as structural, functional, and spatial information, amino acid conservation, physicochemical variation, residue mobility, and thermodynamic stability) performed at Invitae indicates that this missense variant is not expected to disrupt FLNA protein function with a negative predictive value of 95%. In summary, the available evidence is currently insufficient to determine the role of this variant in disease. Therefore, it has been classified as a Variant of Uncertain Significance.

GeneDx
Classification: Likely benign. Last evaluated: 2020-09-23. Review status: criteria provided, single submitter. Criteria: GeneDx Variant Classification Process June 2021. Collection method: clinical testing. Allele origin: germline. Affected: yes.
Comment: In silico analysis supports that this missense variant does not alter protein structure/function; Has not been previously published as pathogenic or benign to our knowledge

NM_001110556.2(FLNA):c.4327C>A (p.His1443Asn)

Gene: FLNA (filamin A; minus strand). Cytogenetic location: Xq28.
Variant type: single nucleotide variant.
Coding change: c.4327C>A on transcript NM_001110556.2 (MANE Select); coding-DNA position 4327, C replaced by A.
Protein change: p.His1443Asn; replaces histidine 1443 with asparagine.
Molecular consequence: missense variant.
Genome position (GRCh38, 1-based): chrX:154,359,131, G>T on the plus strand (C>A on the coding strand, the complement: FLNA is on the minus strand). VCF-style: chrX-154359131-G-T. GRCh37 (hg19) VCF-style: chrX-153587499-G-T.
Other names: p.H1443N:CAT>AAT; c.4327C>A, p.His1443Asn (NM_001456.4); short protein forms H1443N.
Identifiers: ClinVar variation 213448 (VCV000213448.12), dbSNP rs863223617, ClinGen allele CA324962.